The following is an entry in ClinVar:

ClinVar aggregate classification (germline): Uncertain significance (1 of 4 stars; one submission).

Conditions:
Hypertrophic cardiomyopathy. Also called: HYPERTROPHIC MYOCARDIOPATHY. Identifiers: Orphanet 217569, MedGen C0007194, MeSH D002312, MONDO:0005045, HP:0001639.

gnomAD v4.1: 3 of 1,610,732 alleles (0.00019%); highest among the groups gnomAD compares: Admixed American, 0.0017%; no homozygotes.

Submission:

Labcorp Genetics (formerly Invitae), Labcorp
Classification: Uncertain significance for Hypertrophic cardiomyopathy. Last evaluated: 2024-05-15. Review status: criteria provided, single submitter. Criteria: Invitae Variant Classification Sherloc (09022015). Collection method: clinical testing. Allele origin: germline.
Comment: This sequence change creates a premature translational stop signal (p.Arg1116*) in the MYOM1 gene. It is expected to result in an absent or disrupted protein product. However, the current clinical and genetic evidence is not sufficient to establish whether loss-of-function variants in MYOM1 cause disease. This variant is present in population databases (rs747528982, gnomAD 0.003%). This variant has not been reported in the literature in individuals affected with MYOM1-related conditions. Algorithms developed to predict the effect of sequence changes on RNA splicing suggest that this variant may disrupt the consensus splice site. In summary, the available evidence is currently insufficient to determine the role of this variant in disease. Therefore, it has been classified as a Variant of Uncertain Significance.

NM_003803.4(MYOM1):c.3346C>T (p.Arg1116Ter)

Gene: MYOM1 (myomesin 1; minus strand). Cytogenetic location: 18p11.31.
Variant type: single nucleotide variant.
Coding change: c.3346C>T on transcript NM_003803.4 (MANE Select); coding-DNA position 3346, C replaced by T.
Protein change: p.Arg1116Ter; replaces arginine 1116 with a stop codon.
Molecular consequence: nonsense.
Genome position (GRCh38, 1-based): chr18:3,112,370, G>A on the plus strand (C>T on the coding strand, the complement: MYOM1 is on the minus strand). VCF-style: chr18-3112370-G-A. GRCh37 (hg19) VCF-style: chr18-3112368-G-A.
Other names: c.3058C>T, p.Arg1020Ter (NM_019856.2); short protein forms R1116*, R1020*.
Identifiers: ClinVar variation 3718699 (VCV003718699.2).